The following is an entry in ClinVar:

NM_206933.4(USH2A):c.14101G>A (p.Glu4701Lys)

Gene: USH2A (usherin; minus strand). Cytogenetic location: 1q41.
Variant type: single nucleotide variant.
Coding change: c.14101G>A on transcript NM_206933.4 (MANE Select); coding-DNA position 14101, G replaced by A.
Protein change: p.Glu4701Lys; replaces glutamic acid 4701 with lysine.
Molecular consequence: missense variant.
Genome position (GRCh38, 1-based): chr1:215,671,004, C>T on the plus strand (G>A on the coding strand, the complement: USH2A is on the minus strand). VCF-style: chr1-215671004-C-T. GRCh37 (hg19) VCF-style: chr1-215844346-C-T.
Other names: short protein forms E4701K.
Identifiers: ClinVar variation 48428 (VCV000048428.20), dbSNP rs372966682, ClinGen allele CA143336.

ClinVar aggregate classification (germline): Conflicting classifications of pathogenicity. Review status: criteria provided, conflicting classifications (1 of 4 stars). 7 submissions from 7 submitters: Uncertain significance (5); Likely benign (1). 1 of the submissions does not count toward it. Last evaluated 2026-05-13.

Conditions:
USH2A-related disorder. Also called: USH2A-related disorders; USH2A-related condition. Identifiers: MedGen CN239332.
Retinitis pigmentosa 39 (RP39). Identifiers: Orphanet 791, MedGen C3151138, MONDO:0013436, OMIM 613809.
Usher syndrome type 2A. Also called: RETINAL DISEASE IN USHER SYNDROME TYPE IIA, MODIFIER OF; USHER SYNDROME, TYPE IIA. Identifiers: Orphanet 231178, Orphanet 886, MedGen C1848634, MONDO:0010169, OMIM 276901.

Allele frequency attached by ClinVar (database versions not stated): TOPMed 0.00005; gnomAD 0.00007 and 0.00008; ESP Exome Variant Server 0.00008; gnomAD exomes 0.00010 and 0.00011; ExAC 0.00011; 1000 Genomes Project 30x 0.00016.
gnomAD v4.1: 165 of 1,614,112 alleles (0.01%); highest among the groups gnomAD compares: Non-Finnish European, 0.01%; no homozygotes.

Submissions (7):

PreventionGenetics, part of Exact Sciences
Classification: Uncertain significance for USH2A-related condition. Last evaluated: 2026-05-13. Review status: criteria provided, single submitter. Criteria: ACMG Guidelines, 2015. Collection method: clinical testing. Allele origin: germline.
Comment: The USH2A c.14101G>A variant is predicted to result in the amino acid substitution p.Glu4701Lys. To our knowledge, this variant has not been reported in the literature in a patient with USH2A related disorder. This variant is reported in 0.032% of alleles in individuals of European (Finnish) descent in gnomAD. At this time, the clinical significance of this variant is uncertain due to the absence of conclusive functional and genetic evidence.

Labcorp Genetics (formerly Invitae), Labcorp
Classification: Likely benign. Last evaluated: 2026-01-24. Review status: criteria provided, single submitter. Criteria: Invitae Variant Classification Sherloc (09022015). Collection method: clinical testing. Allele origin: germline.

Blueprint Genetics
Classification: Uncertain significance. Last evaluated: 2024-04-15. Review status: criteria provided, single submitter. Criteria: ACMG Guidelines, 2015. Collection method: clinical testing. Allele origin: germline.

GeneDx
Classification: Uncertain significance. Last evaluated: 2023-06-13. Review status: criteria provided, single submitter. Criteria: GeneDx Variant Classification Process June 2021. Collection method: clinical testing. Allele origin: germline. Affected: yes.
Comment: In silico analysis supports that this missense variant does not alter protein structure/function; Has not been previously published as pathogenic or benign to our knowledge

Ocular Genomics Institute, Massachusetts Eye and Ear
Classification: Uncertain significance for Retinitis pigmentosa 39. Last evaluated: 2021-04-08. Review status: criteria provided, single submitter. Criteria: ACMG Guidelines, 2015. Collection method: research. Allele origin: germline. Affected: yes.
Comment: Through a review of available evidence we were able to apply the following criteria: PM2. Based on this evidence we have classified this variant as Variant of Uncertain Significance.

Laboratory for Molecular Medicine, Mass General Brigham Personalized Medicine
Classification: Uncertain significance. Last evaluated: 2011-03-01. Review status: criteria provided, single submitter. Criteria: LMM Criteria. Collection method: clinical testing. Allele origin: germline. Observed: 1 variant allele.
Comment: The Glu4701Lys variant in USH2A has not been reported in the literature nor prev iously identified by our laboratory. Computational analyses (biochemical amino a cid properties, homology, PolyPhen, SIFT, AlignGVGD) do not provide strong suppo rt for or against pathogenicity. However, it should be noted that frog and zebra fish have a lysine at this position. In addition, this lab has only sequenced th e USH2A in 259 individuals such that the full spectrum of benign variation has n ot yet been defined for this gene, increasing the possibility that this may be a benign variant. In summary, the clinical significance of this variant cannot be determined with certainty at this time; however based upon the arguments descri bed above, we would lean towards a more likely benign role.

Natera, Inc.
Classification: Uncertain significance for Usher syndrome type 2A. Last evaluated: 2020-01-17. Review status: no assertion criteria provided. Collection method: clinical testing. Allele origin: germline. Not counted in ClinVar's aggregate classification.